The following is an entry in ClinVar:

NM_007294.4(BRCA1):c.3909G>T (p.Leu1303Phe)

Genes: BRCA1 (BRCA1 DNA repair associated; minus strand), LOC126862571 (BRD4-independent group 4 enhancer GRCh37_chr17:41243136-41244335; plus strand). Cytogenetic location: 17q21.31.
Variant type: single nucleotide variant.
Coding change: c.3909G>T on transcript NM_007294.4 (MANE Select); coding-DNA position 3909, G replaced by T.
Protein change: p.Leu1303Phe; replaces leucine 1303 with phenylalanine.
Molecular consequence: missense variant. On other transcripts: intron variant (135).
Genome position (GRCh38, 1-based): chr17:43,091,622, C>A on the plus strand (G>T on the coding strand, the complement: BRCA1 is on the minus strand). VCF-style: chr17-43091622-C-A. GRCh37 (hg19) VCF-style: chr17-41243639-C-A.
Other names: c.3906G>T, p.Leu1302Phe (NM_001407590.1, NM_001407591.1, NM_001407627.1 and 22 more transcripts); c.3909G>T, p.Leu1303Phe (NM_001407593.1, NM_001407594.1, NM_001407596.1 and 30 more transcripts); c.3831G>T, p.Leu1277Phe (NM_001407656.1, NM_001407657.1, NM_001407658.1 and 4 more transcripts); c.3828G>T, p.Leu1276Phe (NM_001407659.1, NM_001407660.1, NM_001407661.1 and 1 more transcripts); c.3900G>T, p.Leu1300Phe (NM_001407646.1, NM_001407647.1); c.3786G>T, p.Leu1262Phe (NM_001407648.1, NM_001407664.1, NM_001407665.1 and 19 more transcripts); c.3783G>T, p.Leu1261Phe (NM_001407649.1, NM_001407670.1, NM_001407671.1 and 11 more transcripts); c.3768G>T, p.Leu1256Phe (NM_001407725.1, NM_001407729.1, NM_001407728.1 and 29 more transcripts); and 41 more; short protein forms L1007F, L1135F, L1175F, L1176F, L1191F, L1192F, L1214F, L1215F.
Identifiers: ClinVar variation 1714988 (VCV001714988.8), dbSNP rs1597860507, ClinGen allele CA10594145.

ClinVar aggregate classification (germline): Conflicting classifications of pathogenicity. Review status: criteria provided, conflicting classifications (1 of 4 stars). 2 submissions from 2 submitters: Uncertain significance (1); Likely benign (1). Last evaluated 2025-05-05.

Conditions:
Hereditary breast ovarian cancer syndrome. Also called: Hereditary breast and ovarian cancer syndrome; Hereditary breast and ovarian cancer syndrome (HBOC); Breast and ovarian cancer; Hereditary breast and/or ovarian cancer syndrome; Hereditary breast and ovarian cancer; BRCA1- and BRCA2-Associated Hereditary Breast and Ovarian Cancer. Identifiers: Orphanet 145, MedGen C0677776, MeSH D061325, MONDO:0003582. Disease mechanism: loss of function.
Hereditary cancer-predisposing syndrome. Also called: Neoplastic Syndromes, Hereditary; Tumor predisposition; Hereditary Cancer Syndrome; Hereditary neoplastic syndrome. Identifiers: Orphanet 140162, MedGen C0027672, MeSH D009386, MONDO:0015356.

Submissions (2):

Labcorp Genetics (formerly Invitae), Labcorp
Classification: Uncertain significance for Hereditary breast ovarian cancer syndrome. Last evaluated: 2025-05-05. Review status: criteria provided, single submitter. Criteria: Invitae Variant Classification Sherloc (09022015). Collection method: clinical testing. Allele origin: germline.
Comment: This sequence change replaces leucine, which is neutral and non-polar, with phenylalanine, which is neutral and non-polar, at codon 1303 of the BRCA1 protein (p.Leu1303Phe). This variant is not present in population databases (gnomAD no frequency). This variant has not been reported in the literature in individuals affected with BRCA1-related conditions. ClinVar contains an entry for this variant (Variation ID: 1714988). Invitae Evidence Modeling of protein sequence and biophysical properties (such as structural, functional, and spatial information, amino acid conservation, physicochemical variation, residue mobility, and thermodynamic stability) indicates that this missense variant is not expected to disrupt BRCA1 protein function with a negative predictive value of 80%. In summary, the available evidence is currently insufficient to determine the role of this variant in disease. Therefore, it has been classified as a Variant of Uncertain Significance.

University of Washington Department of Laboratory Medicine, University of Washington
Classification: Likely benign for Hereditary cancer-predisposing syndrome. Last evaluated: 2023-03-23. Review status: criteria provided, single submitter. Criteria: Dines et al. (Genet Med. 2020). Collection method: curation. Allele origin: germline.
Comment: Missense variant in a coldspot region where missense variants are very unlikely to be pathogenic (PMID:31911673).

BRCA1 coldspot (exon 11 using historical exon numbering). Reclassification based on statistical prior probability